The following is an entry in ClinVar:

NM_001256545.2(MEGF10):c.2654G>A (p.Gly885Glu)

Gene: MEGF10 (multiple EGF like domains 10; plus strand). Cytogenetic location: 5q23.2.
Variant type: single nucleotide variant.
Coding change: c.2654G>A on transcript NM_001256545.2 (MANE Select); coding-DNA position 2654, G replaced by A.
Protein change: p.Gly885Glu; replaces glycine 885 with glutamic acid.
Molecular consequence: missense variant.
Genome position (GRCh38, 1-based): chr5:127,445,619, G>A. VCF-style: chr5-127445619-G-A. GRCh37 (hg19) VCF-style: chr5-126781311-G-A.
Other names: p.Gly885Glu; c.2654G>A, p.Gly885Glu (NM_032446.3); short protein forms G885E.
Identifiers: ClinVar variation 350665 (VCV000350665.60), dbSNP rs116500162, ClinGen allele CA3391985.
Genomic context (GRCh38, chr5:127,445,619, plus strand): 5'-TTGTCCTAGTTGTTCTCTTCCTACTGGCATTGTTCATTATTTATAGACACAAGCAGAAGG[G>A]AAAGGAATCAAGCATGCCAGCAGTTACCTACACCCCTGCTATGAGGGTCGTCAATGCAGA-3'
Protein context (NP_001243474.1, residues 875-895): LFIIYRHKQK[Gly885Glu]KESSMPAVTY

ClinVar aggregate classification (germline): Conflicting classifications of pathogenicity. Review status: criteria provided, conflicting classifications (1 of 4 stars). 7 submissions from 7 submitters: Uncertain significance (2); Benign (1); Likely benign (3). 1 of the submissions does not count toward it. Last evaluated 2026-01-21.

Conditions:
MEGF10-related disorder. Also called: MEGF10-related condition.
MEGF10-related myopathy (CMYO10A). Also called: Congenital myopathy 10A, severe variant. Identifiers: Orphanet 439212, MedGen C3280679, MONDO:0013731, OMIM 614399.
Inborn genetic diseases. Identifiers: MedGen C0950123, MeSH D030342.

Allele frequency attached by ClinVar (database versions not stated): gnomAD exomes 0.00019 and 0.00061; ExAC 0.00063; gnomAD 0.00212 and 0.00227; 1000 Genomes Project 0.00240; 1000 Genomes Project 30x 0.00250; TOPMed 0.00252; ESP Exome Variant Server 0.00269.
gnomAD v4.1: 628 of 1,614,066 alleles (0.039%); highest among the groups gnomAD compares: African/African-American, 0.72%; no homozygotes.

Submissions (7):

Labcorp Genetics (formerly Invitae), Labcorp
Classification: Benign for MEGF10-related myopathy. Last evaluated: 2026-01-21. Review status: criteria provided, single submitter. Criteria: Invitae Variant Classification Sherloc (09022015). Collection method: clinical testing. Allele origin: germline.

Women's Health and Genetics/Laboratory Corporation of America, LabCorp
Classification: Likely benign. Last evaluated: 2025-10-06. Review status: criteria provided, single submitter. Criteria: LabCorp Variant Classification Summary - May 2015. Collection method: clinical testing. Allele origin: germline.
Comment: Variant summary: MEGF10 c.2654G>A (p.Gly885Glu) results in a non-conservative amino acid change in the encoded protein sequence. Algorithms developed to predict the effect of missense changes on protein structure and function are either unavailable or do not agree on the potential impact of this missense change. The variant allele was found at a frequency of 0.00061 in 251260 control chromosomes, predominantly at a frequency of 0.0084 within the African or African-American subpopulation in the gnomAD database, including 1 homozygotes. The observed variant frequency within African or African-American control individuals in the gnomAD database exceeds the estimated maximal expected allele frequency for disease-causing variants in MEGF10. To our knowledge, no occurrence of c.2654G>A in individuals affected with MEGF10-related conditions and no experimental evidence demonstrating its impact on protein function have been reported. ClinVar contains an entry for this variant (Variation ID: 350665). Based on the evidence outlined above, the variant was classified as likely benign.

Mayo Clinic Laboratories, Mayo Clinic
Classification: Likely benign. Last evaluated: 2025-07-31. Review status: criteria provided, single submitter. Criteria: ACMG Guidelines, 2015. Collection method: clinical testing. Allele origin: germline. Observed: 2 variant alleles.
Comment: BS1, BP4

Ambry Genetics
Classification: Uncertain significance for Inborn genetic diseases. Last evaluated: 2025-04-03. Review status: criteria provided, single submitter. Criteria: Ambry Variant Classification Scheme 2023. Collection method: clinical testing. Allele origin: germline.

GeneDx
Classification: Likely benign. Last evaluated: 2020-12-08. Review status: criteria provided, single submitter. Criteria: GeneDx Variant Classification Process June 2021. Collection method: clinical testing. Allele origin: germline. Affected: yes.

Illumina Laboratory Services, Illumina
Classification: Uncertain significance for MEGF10-related myopathy. Last evaluated: 2018-01-13. Review status: criteria provided, single submitter. Criteria: ICSL Variant Classification Criteria 13 December 2019. Collection method: clinical testing. Allele origin: germline.

PreventionGenetics, part of Exact Sciences
Classification: Benign for MEGF10-related condition. Last evaluated: 2022-10-21. Review status: no assertion criteria provided. Collection method: clinical testing. Allele origin: germline. Not counted in ClinVar's aggregate classification.
Comment: This variant is classified as benign based on ACMG/AMP sequence variant interpretation guidelines (Richards et al. 2015 PMID: 25741868, with internal and published modifications).